The following is an entry in ClinVar:

ClinVar aggregate classification (germline): Uncertain significance (1 of 4 stars; one submission).

Conditions:
Ataxia-telangiectasia syndrome (AT). Also called: LOUIS-BAR SYNDROME; Ataxia telangiectasia (A-T); Ataxia-telangiectasia, complementation group D; Cerebello-oculocutaneous telangiectasia; Immunodeficiency with ataxia telangiectasia; Ataxia-telangiectasia. Identifiers: Orphanet 100, MedGen C0004135, MONDO:0008840, OMIM 208900.

Submission:

Labcorp Genetics (formerly Invitae), Labcorp
Classification: Uncertain significance for Ataxia-telangiectasia syndrome. Last evaluated: 2019-12-03. Review status: criteria provided, single submitter. Criteria: Invitae Variant Classification Sherloc (09022015). Collection method: clinical testing. Allele origin: germline.
Comment: This sequence change falls in intron 14 of the ATM gene. It does not directly change the encoded amino acid sequence of the ATM protein, but it affects a nucleotide within the consensus splice site of the intron. This variant is not present in population databases (ExAC no frequency). This variant has not been reported in the literature in individuals with ATM-related conditions. Nucleotide substitutions within the consensus splice site are a relatively common cause of aberrant splicing (PMID: 17576681, 9536098). Algorithms developed to predict the effect of sequence changes on RNA splicing suggest that this variant may disrupt the consensus splice site, but this prediction has not been confirmed by published transcriptional studies. In summary, the available evidence is currently insufficient to determine the role of this variant in disease. Therefore, it has been classified as a Variant of Uncertain Significance.

Literature cited by the submitters: PubMed 17576681; PubMed 9536098.

NM_000051.4(ATM):c.2250+3A>G

Gene: ATM (ATM serine/threonine kinase; plus strand). Cytogenetic location: 11q22.3.
Variant type: single nucleotide variant.
Coding change: c.2250+3A>G on transcript NM_000051.4 (MANE Select); 3 bases into the intron after coding-DNA position 2250, A replaced by G.
Molecular consequence: intron variant.
Genome position (GRCh38, 1-based): chr11:108,256,343, A>G. VCF-style: chr11-108256343-A-G. GRCh37 (hg19) VCF-style: chr11-108127070-A-G.
Other names: c.2250+3A>G (NM_001351834.2).
Identifiers: ClinVar variation 863074 (VCV000863074.5), dbSNP rs2080484745, ClinGen allele CA916080467.